The following is an entry in ClinVar:

ClinVar aggregate classification (germline): Uncertain significance (1 of 4 stars; one submission).

Conditions:
Leukocyte adhesion deficiency 1 (LAD1). Also called: LAD 1; Lymphocyte function-associated antigen 1 immunodeficiency; LFA 1 immunodeficiency; LEUKOCYTE ADHESION DEFICIENCY, TYPE I. Identifiers: Orphanet 2968, Orphanet 99842, MedGen C0398738, MONDO:0007293, OMIM 116920.

Allele frequency attached by ClinVar (database versions not stated): TOPMed below 0.00001; ExAC 0.00001; gnomAD exomes 0.00001.
gnomAD v4.1: 8 of 1,613,906 alleles (0.0005%); highest among the groups gnomAD compares: Non-Finnish European, 0.00068%; no homozygotes.

Submission:

Labcorp Genetics (formerly Invitae), Labcorp
Classification: Uncertain significance for Leukocyte adhesion deficiency 1. Last evaluated: 2021-05-31. Review status: criteria provided, single submitter. Criteria: Invitae Variant Classification Sherloc (09022015). Collection method: clinical testing. Allele origin: germline.
Comment: In summary, the available evidence is currently insufficient to determine the role of this variant in disease. Therefore, it has been classified as a Variant of Uncertain Significance. This sequence change affects codon 749 of the ITGB2 mRNA. It is a 'silent' change, meaning that it does not change the encoded amino acid sequence of the ITGB2 protein. Algorithms developed to predict the effect of sequence changes on RNA splicing suggest that this variant is not likely to affect RNA splicing, but this prediction has not been confirmed by published transcriptional studies. This variant has not been reported in the literature in individuals with ITGB2-related conditions. This variant is present in population databases (rs773262146, ExAC 0.002%).

NM_000211.5(ITGB2):c.2247T>C (p.Asn749=)

Gene: ITGB2 (integrin subunit beta 2; minus strand). Cytogenetic location: 21q22.3.
Variant type: single nucleotide variant.
Coding change: c.2247T>C on transcript NM_000211.5 (MANE Select); coding-DNA position 2247, T replaced by C.
Protein change: p.Asn749=; no amino-acid change (asparagine 749 retained).
Molecular consequence: synonymous variant.
Genome position (GRCh38, 1-based): chr21:44,886,736, A>G on the plus strand (T>C on the coding strand, the complement: ITGB2 is on the minus strand). VCF-style: chr21-44886736-A-G. GRCh37 (hg19) VCF-style: chr21-46306651-A-G.
Other names: c.2247T>C, p.Asn749= (NM_001127491.3); c.2040T>C, p.Asn680= (NM_001303238.2).
Identifiers: ClinVar variation 1353686 (VCV001353686.8), dbSNP rs773262146, ClinGen allele CA10062525.
Genomic context (GRCh38, chr21:44,886,736, plus strand): 5'-GTCGCATAGTGTGGGACGCACGTGCCCCTCTGCGTGGGACCCCCAAGGACGGCCACTTAC[A>G]TTGTTCCACTGGGACTTGAGCTTCTCCTTCTCAAAGCGCCTGTACTCCCGGAGGTCGCTC-3'
Protein context (NP_000202.3, residues 739-759): EKEKLKSQWN[Asn749=]DNPLFKSATT